The following continues an entry in ClinVar:

NM_004415.4(DSP):c.3799C>T (p.Arg1267Ter)

Gene: DSP. ClinVar aggregate classification (germline): Pathogenic/Likely pathogenic. Pathogenic (7); Likely pathogenic (1).

Submissions 7 to 9 of 9:

Victorian Clinical Genetics Services, Murdoch Childrens Research Institute
Classification: Pathogenic for Primary dilated cardiomyopathy. Last evaluated: 2023-07-17. Review status: criteria provided, single submitter. Criteria: ACMG Guidelines, 2015. Collection method: clinical testing. Allele origin: germline. Inheritance: Autosomal dominant inheritance. Affected: yes.
Comment: Based on the classification scheme VCGS_Germline_v1.3.4, this variant is classified as Pathogenic. Following criteria are met: 0102 - Loss of function is a known mechanism of disease in this gene and is associated with DSP-related cardiac disorders including arrhythmogenic right ventricular dysplasia 8 (MIM#607450) and dilated cardiomyopathy (MONDO#0005021), DSP-related. (I) 0108 - This gene is associated with both recessive and dominant disease. Variants in this gene are usually inherited in a dominant manner, however rare reports of recessive inheritance have resulted in a more severe cardiac phenotype (OMIM). (I) 0112 - The condition associated with this gene has incomplete penetrance. In families with cardiomyopathies, reduced penetrance has been reported among family members aged 60-86 years (preprint by Hoorntje, E.T. et al. (2021)). (I) 0115 - Variants in this gene are known to have variable expressivity. Age-dependent penetrance and variable expressivity are well-described aspects of arrhythmogenic cardiomyopathy (PMID: 29062697). (I) 0201 - Variant is predicted to cause nonsense-mediated decay (NMD) and loss of protein (premature termination codon is located at least 54 nucleotides upstream of the final exon-exon junction). (SP) 0251 - This variant is heterozygous. (I) 0301 - Variant is absent from gnomAD (both v2 and v3). (SP) 0702 - Other premature termination variants comparable to the one identified in this case have strong previous evidence for pathogenicity. Many NMD-predicted variants in this gene have been reported as likely pathogenic/pathogenic (ClinVar). At least nine comparable NMD-predicted variants have been reported in individuals with sudden death or DSP-related cardiac conditions (VCGS, ClinVar, PMIDs: 26383259, 27532257, 29915097). (SP) 0801 - This variant has strong previous evidence of pathogenicity in unrelated individuals. It has been reported as likely pathogenic/pathogenic by multiple clinical testing laboratories (ClinVar). It has also been reported in individuals with DSP-related cardiac conditions (PMIDs: 35083019, 30398466, 30993396). In addition, it has been reported in asymptomatic family members (PMIDs: 30398466, 30993396). (SP) 1208 - Inheritance information for this variant is not currently available in this individual. (I) Legend: (SP) - Supporting pathogenic, (I) - Information, (SB) - Supporting benign

Clinical Genetics Laboratory, Skane University Hospital Lund
Classification: Likely pathogenic. Last evaluated: 2022-05-27. Review status: criteria provided, single submitter. Criteria: ACMG Guidelines, 2015. Collection method: clinical testing. Allele origin: germline. Affected: yes.

OMIM
Classification: Pathogenic for CARDIOMYOPATHY, DILATED, WITH WOOLLY HAIR AND KERATODERMA. Last evaluated: 2006-02-01. Review status: no assertion criteria provided. Collection method: literature only. Allele origin: germline. Not counted in ClinVar's aggregate classification.

Literature cited by the submitters: PubMed 20716751 (cited by Labcorp Genetics (formerly Invitae), Labcorp); PubMed 24503780 (cited by Labcorp Genetics (formerly Invitae), Labcorp); PubMed 25227139 (cited by Labcorp Genetics (formerly Invitae), Labcorp); PubMed 16467215 (cited by 6 submitters); PubMed 30993396 (cited by 5 submitters); PubMed 30398466 (cited by 4 submitters); PubMed 35083019 (cited by 3 submitters); PubMed 26383259 (cited by Victorian Clinical Genetics Services, Murdoch Childrens Research Institute); PubMed 27532257 (cited by Victorian Clinical Genetics Services, Murdoch Childrens Research Institute); PubMed 29062697 (cited by Victorian Clinical Genetics Services, Murdoch Childrens Research Institute); PubMed 29915097 (cited by Victorian Clinical Genetics Services, Murdoch Childrens Research Institute).